The following is an entry in ClinVar:

NM_001750.7(CAST):c.692C>T (p.Ser231Leu)

Gene: CAST (calpastatin; plus strand). Cytogenetic location: 5q15.
Variant type: single nucleotide variant.
Coding change: c.692C>T on transcript NM_001750.7 (MANE Select); coding-DNA position 692, C replaced by T.
Protein change: p.Ser231Leu; replaces serine 231 with leucine.
Molecular consequence: missense variant. On other transcripts: intron variant (1).
Genome position (GRCh38, 1-based): chr5:96,736,233, C>T. VCF-style: chr5-96736233-C-T. GRCh37 (hg19) VCF-style: chr5-96071937-C-T.
Other names: c.569C>T (NM_001042440.2); c.569C>T, p.Ser190Leu (NM_001042440.5, NM_001330627.2); c.635C>T, p.Ser212Leu (NM_001042441.3, NM_001330626.2); c.626C>T, p.Ser209Leu (NM_001042442.3, NM_001329966.1); c.443C>T, p.Ser148Leu (NM_001042443.3, NM_001190442.2, NM_001330631.2); c.320C>T, p.Ser107Leu (NM_001042444.3, NM_001042446.3, NM_001284212.4 and 1 more transcripts); c.377C>T, p.Ser126Leu (NM_001042445.3, NM_001330632.2, NM_173060.5); c.524C>T, p.Ser175Leu (NM_001330628.2); and 4 more; short protein forms S126L, S175L, S216L, S107L, S129L, S194L, S209L, S190L.
Identifiers: ClinVar variation 2174011 (VCV002174011.5), dbSNP rs766024591, ClinGen allele CA3350934.
Genomic context (GRCh38, chr5:96,736,233, plus strand): 5'-AAAAAGAAAAGAAATCATTAACCCCAGCTGTGCCAGTTGAATCTAAACCGGATAAACCAT[C>T]GGGAAAGGTATGAAGACAACAGTGTCCTTCTACATGAGACAGTTACTCATATGCTCTGTA-3'
Protein context (NP_001741.4, residues 221-241): VPVESKPDKP[Ser231Leu]GKSGMDAALD

ClinVar aggregate classification (germline): Uncertain significance. Review status: criteria provided, multiple submitters, no conflicts (2 of 4 stars). 2 submissions from 2 submitters: Uncertain significance (2). Last evaluated 2025-04-21.

Conditions:
Inborn genetic diseases. Identifiers: MedGen C0950123, MeSH D030342.

Allele frequency attached by ClinVar (database versions not stated): TOPMed 0.00003; gnomAD exomes 0.00005; ExAC 0.00007; gnomAD 0.00007.
gnomAD v4.1: 76 of 1,605,910 alleles (0.0047%); highest among the groups gnomAD compares: Middle Eastern, 0.15%; no homozygotes.

Submissions (2):

Labcorp Genetics (formerly Invitae), Labcorp
Classification: Uncertain significance. Last evaluated: 2025-04-21. Review status: criteria provided, single submitter. Criteria: Invitae Variant Classification Sherloc (09022015). Collection method: clinical testing. Allele origin: germline.
Comment: This sequence change replaces serine, which is neutral and polar, with leucine, which is neutral and non-polar, at codon 190 of the CAST protein (p.Ser190Leu). This variant is present in population databases (rs766024591, gnomAD 0.01%). This variant has not been reported in the literature in individuals affected with CAST-related conditions. ClinVar contains an entry for this variant (Variation ID: 2174011). An algorithm developed to predict the effect of missense changes on protein structure and function (PolyPhen-2) suggests that this variant is likely to be disruptive. In summary, the available evidence is currently insufficient to determine the role of this variant in disease. Therefore, it has been classified as a Variant of Uncertain Significance.

Ambry Genetics
Classification: Uncertain significance for Inborn genetic diseases. Last evaluated: 2024-03-25. Review status: criteria provided, single submitter. Criteria: Ambry Variant Classification Scheme 2023. Collection method: clinical testing. Allele origin: germline.